The following is an entry in ClinVar:

NM_001385079.1(PDE10A):c.1196G>T (p.Ser399Ile)

Gene: PDE10A (phosphodiesterase 10A; minus strand). Cytogenetic location: 6q27.
Variant type: single nucleotide variant.
Coding change: c.1196G>T on transcript NM_001385079.1 (MANE Select); coding-DNA position 1196, G replaced by T.
Protein change: p.Ser399Ile; replaces serine 399 with isoleucine.
Molecular consequence: missense variant.
Genome position (GRCh38, 1-based): chr6:165,435,376, C>A on the plus strand (G>T on the coding strand, the complement: PDE10A is on the minus strand). VCF-style: chr6-165435376-C-A. GRCh37 (hg19) VCF-style: chr6-165848864-C-A.
Other names: c.398G>T, p.Ser133Ile (NM_001130690.3); c.368G>T, p.Ser123Ile (NM_006661.4); short protein forms S133I, S399I, S123I.
Identifiers: ClinVar variation 1379805 (VCV001379805.8), dbSNP rs1789928744, ClinGen allele CA366483217.
Genomic context (GRCh38, chr6:165,435,376, plus strand): 5'-CCAGCAGGGATGAGGCGGGGTTTTCCTTCCTTTATCCCAGGTGGCGTGAATATACACAGG[C>A]TCTAGGGAGAAGAAAAGATGTTTTACAGACTTTCCTGTACATGTGCATAGTACAAAAAGA-3'
Protein context (NP_001372008.1, residues 389-409): ALYFLGECNN[Ser399Ile]LCIFTPPGIK

ClinVar aggregate classification (germline): Uncertain significance (1 of 4 stars; one submission).

Submission:

Labcorp Genetics (formerly Invitae), Labcorp
Classification: Uncertain significance. Last evaluated: 2021-05-04. Review status: criteria provided, single submitter. Criteria: Invitae Variant Classification Sherloc (09022015). Collection method: clinical testing. Allele origin: germline.
Comment: Algorithms developed to predict the effect of missense changes on protein structure and function are either unavailable or do not agree on the potential impact of this missense change (SIFT: "Deleterious"; PolyPhen-2: "Possibly Damaging"; Align-GVGD: "Class C15"). This variant has not been reported in the literature in individuals with PDE10A-related conditions. This variant is not present in population databases (ExAC no frequency). This sequence change replaces serine with isoleucine at codon 133 of the PDE10A protein (p.Ser133Ile). The serine residue is highly conserved and there is a large physicochemical difference between serine and isoleucine. In summary, the available evidence is currently insufficient to determine the role of this variant in disease. Therefore, it has been classified as a Variant of Uncertain Significance.